The following is an entry in ClinVar:

ClinVar aggregate classification (germline): Uncertain significance (1 of 4 stars; one submission).

Submission:

Ambry Genetics
Classification: Uncertain significance. Last evaluated: 2023-12-14. Review status: criteria provided, single submitter. Criteria: Ambry Variant Classification Scheme 2023. Collection method: clinical testing. Allele origin: germline.
Comment: The p.L404Q variant (also known as c.1211T>A), located in coding exon 11 of the RAD54L gene, results from a T to A substitution at nucleotide position 1211. The leucine at codon 404 is replaced by glutamine, an amino acid with dissimilar properties. This amino acid position is conserved. In addition, this alteration is predicted to be deleterious by in silico analysis. Since supporting evidence is limited at this time, the clinical significance of this alteration remains unclear.

NM_003579.4(RAD54L):c.1211T>A (p.Leu404Gln)

Gene: RAD54L (RAD54 like; plus strand). Cytogenetic location: 1p34.1.
Variant type: single nucleotide variant.
Coding change: c.1211T>A on transcript NM_003579.4 (MANE Select); coding-DNA position 1211, T replaced by A.
Protein change: p.Leu404Gln; replaces leucine 404 with glutamine.
Molecular consequence: missense variant.
Genome position (GRCh38, 1-based): chr1:46,272,507, T>A. VCF-style: chr1-46272507-T-A. GRCh37 (hg19) VCF-style: chr1-46738179-T-A.
Other names: c.1211T>A, p.Leu404Gln (NM_001142548.2); c.671T>A, p.Leu224Gln (NM_001370766.1); short protein forms L224Q, L404Q.
Identifiers: ClinVar variation 3223397 (VCV003223397.1), dbSNP rs2525706815, ClinGen allele CA340177117.